The following is an entry in ClinVar:

ClinVar aggregate classification (germline): Uncertain significance (1 of 4 stars; one submission).

Submission:

Labcorp Genetics (formerly Invitae), Labcorp
Classification: Uncertain significance. Last evaluated: 2023-07-13. Review status: criteria provided, single submitter. Criteria: Invitae Variant Classification Sherloc (09022015). Collection method: clinical testing. Allele origin: germline.
Comment: In summary, the available evidence is currently insufficient to determine the role of this variant in disease. Therefore, it has been classified as a Variant of Uncertain Significance. An algorithm developed to predict the effect of missense changes on protein structure and function (PolyPhen-2) suggests that this variant is likely to be disruptive. This variant has not been reported in the literature in individuals affected with DHX32-related conditions. This variant is not present in population databases (gnomAD no frequency). This sequence change replaces serine, which is neutral and polar, with asparagine, which is neutral and polar, at codon 381 of the DHX32 protein (p.Ser381Asn).

NM_018180.3(DHX32):c.1142G>A (p.Ser381Asn)

Genes: BCCIP (BRCA2 and CDKN1A interacting protein; plus strand), DHX32 (DEAH-box helicase 32 (putative); minus strand). Cytogenetic location: 10q26.2.
Variant type: single nucleotide variant.
Coding change: c.1142G>A on transcript NM_018180.3 (MANE Select); coding-DNA position 1142, G replaced by A.
Protein change: p.Ser381Asn; replaces serine 381 with asparagine.
Molecular consequence: missense variant. On other transcripts: intron variant (1).
Genome position (GRCh38, 1-based): chr10:125,852,593, C>T on the plus strand (G>A on the coding strand, the complement: DHX32 is on the minus strand). VCF-style: chr10-125852593-C-T. GRCh37 (hg19) VCF-style: chr10-127541162-C-T.
Other names: c.851-532C>T (NM_016567.4); short protein forms S381N.
Identifiers: ClinVar variation 2743141 (VCV002743141.3), dbSNP rs2494417441, ClinGen allele CA378675736.